The following is an entry in ClinVar:

NM_014946.4(SPAST):c.*2898C>T

Gene: SPAST (spastin; plus strand). Cytogenetic location: 2p22.3.
Variant type: single nucleotide variant.
Coding change: c.*2898C>T on transcript NM_014946.4 (MANE Select); 2898 bases downstream of the stop codon, C replaced by T.
Molecular consequence: 3 prime UTR variant.
Genome position (GRCh38, 1-based): chr2:32,157,394, C>T. VCF-style: chr2-32157394-C-T. GRCh37 (hg19) VCF-style: chr2-32382463-C-T.
Other names: c.*2898C>T (NM_001363823.2, NM_001363875.2, NM_199436.2); c.*3022C>T (NM_001377959.1).
Identifiers: ClinVar variation 335888 (VCV000335888.29), dbSNP rs886055983, ClinGen allele CA10615344.

ClinVar aggregate classification (germline): Conflicting classifications of pathogenicity. Review status: criteria provided, conflicting classifications (1 of 4 stars). 2 submissions from 2 submitters: Uncertain significance (1); Benign (1). Last evaluated 2022-05-01.

Conditions:
Hereditary spastic paraplegia 4. Also called: Spastic Paraplegia 4; Spastic paraplegia 4, autosomal dominant; Familial spastic paraplegia autosomal dominant 2. Identifiers: Orphanet 100985, MedGen C1866855, MONDO:0008438, OMIM 182601.

Allele frequency attached by ClinVar (database versions not stated): gnomAD 0.00039 and 0.00043; TOPMed 0.00042.

Submissions (2):

CeGaT Center for Human Genetics Tuebingen
Classification: Benign. Last evaluated: 2022-05-01. Review status: criteria provided, single submitter. Criteria: CeGaT Center For Human Genetics Tuebingen Variant Classification Criteria Version 2. Collection method: clinical testing. Allele origin: germline. Affected: yes. Observed: 1 variant allele.
Comment: SPAST: BS1, BS2

Illumina Laboratory Services, Illumina
Classification: Uncertain significance for Hereditary spastic paraplegia 4. Last evaluated: 2018-01-12. Review status: criteria provided, single submitter. Criteria: ICSL Variant Classification Criteria 13 December 2019. Collection method: clinical testing. Allele origin: germline.